The following is an entry in ClinVar:

ClinVar aggregate classification (germline): Uncertain significance. Review status: criteria provided, multiple submitters, no conflicts (2 of 4 stars). 2 submissions from 2 submitters: Uncertain significance (2). Last evaluated 2025-12-01.

Conditions:
Cardiovascular phenotype. Identifiers: MedGen CN230736.
Atrial fibrillation, familial, 14 (ATFB14). Identifiers: MedGen C3809312, MONDO:0014156, OMIM 615378.

Allele frequency attached by ClinVar (database versions not stated): ExAC 0.00001; gnomAD 0.00001; TOPMed 0.00001.
gnomAD v4.1: 46 of 1,613,914 alleles (0.0029%); highest among the groups gnomAD compares: Non-Finnish European, 0.0037%; no homozygotes.

Submissions (2):

Ambry Genetics
Classification: Uncertain significance for Cardiovascular phenotype. Last evaluated: 2025-12-01. Review status: criteria provided, single submitter. Criteria: Ambry Variant Classification Scheme 2023. Collection method: clinical testing. Allele origin: germline.
Comment: The p.S18N variant (also known as c.53G>A), located in coding exon 1 of the SCN2B gene, results from a G to A substitution at nucleotide position 53. The serine at codon 18 is replaced by asparagine, an amino acid with highly similar properties. This alteration was reported in one subject with atrial fibrillation and one subject with hypertrophic cardiomyopathy (HCM), who also had variants in other cardiac-related genes (Olesen MS et al. Heart Rhythm, 2014 Feb;11:246-51; Bonaventura J et al. Arch Med Sci, 2019 May;15:641-649). This amino acid position is well conserved in available vertebrate species. In addition, the in silico prediction for this alteration is inconclusive. Since supporting evidence is limited at this time, the clinical significance of this alteration remains unclear.

Labcorp Genetics (formerly Invitae), Labcorp
Classification: Uncertain significance for Atrial fibrillation, familial, 14. Last evaluated: 2024-10-30. Review status: criteria provided, single submitter. Criteria: Invitae Variant Classification Sherloc (09022015). Collection method: clinical testing. Allele origin: germline.
Comment: This sequence change replaces serine, which is neutral and polar, with asparagine, which is neutral and polar, at codon 18 of the SCN2B protein (p.Ser18Asn). This variant is present in population databases (rs777654507, gnomAD 0.003%). This missense change has been observed in individual(s) with atrial fibrillation (PMID: 24144883). ClinVar contains an entry for this variant (Variation ID: 1747296). An algorithm developed to predict the effect of missense changes on protein structure and function (PolyPhen-2) suggests that this variant is likely to be tolerated. In summary, the available evidence is currently insufficient to determine the role of this variant in disease. Therefore, it has been classified as a Variant of Uncertain Significance.

Literature cited by the submitters: PubMed 24144883 (cited by Ambry Genetics and Labcorp Genetics (formerly Invitae), Labcorp); PubMed 31110529 (cited by Ambry Genetics).

NM_004588.5(SCN2B):c.53G>A (p.Ser18Asn)

Gene: SCN2B (sodium voltage-gated channel beta subunit 2; minus strand). Cytogenetic location: 11q23.3.
Variant type: single nucleotide variant.
Coding change: c.53G>A on transcript NM_004588.5 (MANE Select); coding-DNA position 53, G replaced by A.
Protein change: p.Ser18Asn; replaces serine 18 with asparagine.
Molecular consequence: missense variant.
Genome position (GRCh38, 1-based): chr11:118,176,379, C>T on the plus strand (G>A on the coding strand, the complement: SCN2B is on the minus strand). VCF-style: chr11-118176379-C-T. GRCh37 (hg19) VCF-style: chr11-118047094-C-T.
Other names: short protein forms S18N.
Identifiers: ClinVar variation 1747296 (VCV001747296.8), dbSNP rs777654507, ClinGen allele CA6300565.